The following is an entry in ClinVar:

NM_000179.3(MSH6):c.2074A>C (p.Lys692Gln)

Gene: MSH6 (mutS homolog 6; plus strand). Cytogenetic location: 2p16.3.
Variant type: single nucleotide variant.
Coding change: c.2074A>C on transcript NM_000179.3 (MANE Select); coding-DNA position 2074, A replaced by C.
Protein change: p.Lys692Gln; replaces lysine 692 with glutamine.
Molecular consequence: missense variant.
Genome position (GRCh38, 1-based): chr2:47,800,057, A>C. VCF-style: chr2-47800057-A-C. GRCh37 (hg19) VCF-style: chr2-48027196-A-C.
Other names: c.1684A>C, p.Lys562Gln (NM_001281492.2); c.1168A>C, p.Lys390Gln (NM_001281493.2, NM_001281494.2); short protein forms K692Q, K562Q, K390Q.
Identifiers: ClinVar variation 820658 (VCV000820658.30), dbSNP rs752532578, ClinGen allele CA068450.

ClinVar aggregate classification (germline): Conflicting classifications of pathogenicity. Review status: criteria provided, conflicting classifications (1 of 4 stars). 6 submissions from 6 submitters: Uncertain significance (5); Likely benign (1). Last evaluated 2025-09-16.

Conditions:
Hereditary nonpolyposis colorectal neoplasms. Identifiers: MedGen C0009405, MeSH D003123.
Hereditary cancer-predisposing syndrome. Also called: Tumor predisposition; Hereditary neoplastic syndrome; Neoplastic Syndromes, Hereditary; Hereditary Cancer Syndrome. Identifiers: Orphanet 140162, MedGen C0027672, MeSH D009386, MONDO:0015356.

Allele frequency attached by ClinVar (database versions not stated): gnomAD exomes below 0.00001; TOPMed below 0.00001; ExAC 0.00001; gnomAD 0.00001.

Submissions (6):

Color Diagnostics, LLC DBA Color Health
Classification: Uncertain significance for Hereditary cancer-predisposing syndrome. Last evaluated: 2025-09-16. Review status: criteria provided, single submitter. Criteria: ACMG Guidelines, 2015. Collection method: clinical testing. Allele origin: germline.
Comment: This missense variant replaces lysine with glutamine at codon 692 of the MSH6 protein. Computational prediction is inconclusive regarding the impact of this variant on protein structure and function. To our knowledge, functional studies have not been reported for this variant. This variant has not been reported in individuals affected with MSH6-related disorders in the literature. This variant has been identified in 1/250570 chromosomes in the general population by the Genome Aggregation Database (gnomAD). The available evidence is insufficient to determine the role of this variant in disease conclusively. Therefore, this variant is classified as a Variant of Uncertain Significance.

CeGaT Center for Human Genetics Tuebingen
Classification: Uncertain significance. Last evaluated: 2025-09-01. Review status: criteria provided, single submitter. Criteria: CeGaT Center For Human Genetics Tuebingen Variant Classification Criteria Version 2. Collection method: clinical testing. Allele origin: germline. Affected: yes. Observed: 1 variant allele.
Comment: MSH6: PM2

Ambry Genetics
Classification: Uncertain significance for Hereditary cancer-predisposing syndrome. Last evaluated: 2025-03-31. Review status: criteria provided, single submitter. Criteria: Ambry Variant Classification Scheme 2023. Collection method: clinical testing. Allele origin: germline.
Comment: The p.K692Q variant (also known as c.2074A>C), located in coding exon 4 of the MSH6 gene, results from an A to C substitution at nucleotide position 2074. The lysine at codon 692 is replaced by glutamine, an amino acid with similar properties. This amino acid position is well conserved in available vertebrate species. In addition, the in silico prediction for this alteration is inconclusive. Based on the available evidence, the clinical significance of this variant remains unclear.

Center for Genomic Medicine, Rigshospitalet, Copenhagen University Hospital
Classification: Uncertain significance. Last evaluated: 2025-03-04. Review status: criteria provided, single submitter. Criteria: ACMG Guidelines, 2015. Collection method: clinical testing. Allele origin: germline.

GeneDx
Classification: Uncertain significance. Last evaluated: 2024-07-19. Review status: criteria provided, single submitter. Criteria: GeneDx Variant Classification Process June 2021. Collection method: clinical testing. Allele origin: germline. Affected: yes.
Comment: Not observed at significant frequency in large population cohorts (gnomAD); In silico analysis indicates that this missense variant does not alter protein structure/function; Has not been previously published as pathogenic or benign to our knowledge; This variant is associated with the following publications: (PMID: 17531815, 21120944)

Labcorp Genetics (formerly Invitae), Labcorp
Classification: Likely benign for Hereditary nonpolyposis colorectal neoplasms. Last evaluated: 2022-08-16. Review status: criteria provided, single submitter. Criteria: Invitae Variant Classification Sherloc (09022015). Collection method: clinical testing. Allele origin: germline.